The following is an entry in ClinVar:

NM_001040108.2(MLH3):c.83A>T (p.Glu28Val)

Gene: MLH3 (mutL homolog 3; minus strand). Cytogenetic location: 14q24.3.
Variant type: single nucleotide variant.
Coding change: c.83A>T on transcript NM_001040108.2 (MANE Select); coding-DNA position 83, A replaced by T.
Protein change: p.Glu28Val; replaces glutamic acid 28 with valine.
Molecular consequence: missense variant.
Genome position (GRCh38, 1-based): chr14:75,049,573, T>A on the plus strand (A>T on the coding strand, the complement: MLH3 is on the minus strand). VCF-style: chr14-75049573-T-A. GRCh37 (hg19) VCF-style: chr14-75516276-T-A.
Other names: c.83A>T, p.Glu28Val (NM_014381.3); short protein forms E28V.
Identifiers: ClinVar variation 3232600 (VCV003232600.1), dbSNP rs2503337988, ClinGen allele CA390451693.

ClinVar aggregate classification (germline): Uncertain significance (1 of 4 stars; one submission).

Submission:

Ambry Genetics
Classification: Uncertain significance. Last evaluated: 2023-09-22. Review status: criteria provided, single submitter. Criteria: Ambry Variant Classification Scheme 2023. Collection method: clinical testing. Allele origin: germline.
Comment: The p.E28V variant (also known as c.83A>T), located in coding exon 1 of the MLH3 gene, results from an A to T substitution at nucleotide position 83. The glutamic acid at codon 28 is replaced by valine, an amino acid with dissimilar properties. This amino acid position is conserved. In addition, this alteration is predicted to be deleterious by in silico analysis. Since supporting evidence is limited at this time, the clinical significance of this alteration remains unclear.